The following is an entry in ClinVar:

NM_000112.4(SLC26A2):c.1666T>A (p.Leu556Met)

Gene: SLC26A2 (solute carrier family 26 member 2; plus strand). Cytogenetic location: 5q32.
Variant type: single nucleotide variant.
Coding change: c.1666T>A on transcript NM_000112.4 (MANE Select); coding-DNA position 1666, T replaced by A.
Protein change: p.Leu556Met; replaces leucine 556 with methionine.
Molecular consequence: missense variant.
Genome position (GRCh38, 1-based): chr5:149,981,259, T>A. VCF-style: chr5-149981259-T-A. GRCh37 (hg19) VCF-style: chr5-149360822-T-A.
Other names: short protein forms L556M.
Identifiers: ClinVar variation 1440212 (VCV001440212.5), dbSNP rs1755094647, ClinGen allele CA361708354.

ClinVar aggregate classification (germline): Uncertain significance (1 of 4 stars; one submission).

Conditions:
Diastrophic dysplasia (DTD). Also called: Diastrophic dwarfism. Identifiers: Orphanet 628, MedGen C0220726, MONDO:0009107, OMIM 222600.
Atelosteogenesis type II (AO2). Also called: NEONATAL OSSEOUS DYSPLASIA I; Neonatal osseous dysplasia 1; SLC26A2-Related Atelosteogenesis. Identifiers: Orphanet 56304, MedGen C1850554, MONDO:0009727, OMIM 256050.
Multiple epiphyseal dysplasia type 4 (EDM4). Also called: Multiple Epiphyseal Dysplasia, Recessive; MULTIPLE EPIPHYSEAL DYSPLASIA WITH BILAYERED PATELLAE; MULTIPLE EPIPHYSEAL DYSPLASIA WITH CLUBFOOT; MULTIPLE EPIPHYSEAL DYSPLASIA, AUTOSOMAL RECESSIVE; SLC26A2-Related Multiple Epiphyseal Dysplasia. Identifiers: Orphanet 93307, MedGen C1847593, MONDO:0009189, OMIM 226900.
Achondrogenesis, type IB (ACG1B). Also called: Achondrogenesis Type 1B. Identifiers: Orphanet 932, Orphanet 93298, MedGen C0265274, MONDO:0010966, OMIM 600972.

Allele frequency attached by ClinVar (database versions not stated): TOPMed 0.00001.

Submission:

Labcorp Genetics (formerly Invitae), Labcorp
Classification: Uncertain significance for Atelosteogenesis type II; Multiple epiphyseal dysplasia type 4; Achondrogenesis, type IB; Diastrophic dysplasia. Last evaluated: 2021-09-24. Review status: criteria provided, single submitter. Criteria: Invitae Variant Classification Sherloc (09022015). Collection method: clinical testing. Allele origin: germline.
Comment: This sequence change replaces leucine with methionine at codon 556 of the SLC26A2 protein (p.Leu556Met). The leucine residue is moderately conserved and there is a small physicochemical difference between leucine and methionine. This variant is not present in population databases (ExAC no frequency). This variant has not been reported in the literature in individuals with SLC26A2-related disease. Algorithms developed to predict the effect of missense changes on protein structure and function (SIFT, PolyPhen-2, Align-GVGD) all suggest that this variant is likely to be tolerated, but these predictions have not been confirmed by published functional studies and their clinical significance is uncertain. In summary, the available evidence is currently insufficient to determine the role of this variant in disease. Therefore, it has been classified as a Variant of Uncertain Significance.